The following is an entry in ClinVar:

ClinVar aggregate classification (germline): Pathogenic. Review status: criteria provided, multiple submitters, no conflicts (2 of 4 stars). 2 submissions from 2 submitters: Pathogenic (2). Last evaluated 2025-02-18.

Conditions:
Glycogen storage disease type III (GSD3). Also called: Cori disease; FORBES DISEASE. Identifiers: Orphanet 366, MedGen C0017922, MONDO:0009291, OMIM 232400.

Submissions (2):

Natera, Inc.
Classification: Pathogenic for Glycogen storage disease type III. Last evaluated: 2025-02-18. Review status: criteria provided, single submitter. Criteria: Natera Variant Classification Schema (03/2026). Collection method: clinical testing. Allele origin: germline.
Comment: The c.2474del variant in AGL is a frameshift variant predicted to shift the reading frame beginning at codon 825 and leads to a stop codon 11 codons downstream. This variant is expected to result in nonsense mediated decay, truncation, or a dysfunctional protein product. This variant is rare in the general population with a frequency below the threshold expected for the associated phenotype(s). This variant has been observed in one or more individuals affected with the associated recessive disease, as either homozygous or compound heterozygous with a second variant (PMID: 20158661). Given the available evidence, this variant is classified as Pathogenic.

Genesis Genoma Lab
Classification: Pathogenic for Glycogen storage disease type III. Last evaluated: 2022-08-19. Review status: criteria provided, single submitter. Criteria: ACMG Guidelines, 2015. Collection method: clinical testing. Allele origin: germline. Inheritance: Autosomal recessive inheritance. Affected: yes.
Comment: It is predicted to alter the reading frame and result in a premature termination codon. It is absent in gnomAD database. There is a paper (PMID: 20158661) describing this mutation in homozygosity in a patient with Glycogen storage disease III.

Literature cited by the submitters: PubMed 20158661 (cited by Natera, Inc. and Genesis Genoma Lab).

NM_000642.3(AGL):c.2474del (p.Thr825fs)

Gene: AGL (amylo-alpha-1,6-glucosidase and 4-alpha-glucanotransferase; plus strand). Cytogenetic location: 1p21.2.
Variant type: Deletion.
Coding change: c.2474del on transcript NM_000642.3 (MANE Select); coding-DNA position 2474, one base deleted (C; older notation c.2474delC).
Protein change: p.Thr825fs; shifts the reading frame from threonine 825.
Molecular consequence: frameshift variant.
Genome position (GRCh38, 1-based): chr1:99,884,379, C deleted. VCF-style (leftmost placement, unchanged base first): chr1-99884378-AC-A. GRCh37 (hg19) VCF-style: chr1-100349934-AC-A.
Other names: c.2474delC, p.Thr825Lysfs (NM_000028.3, NM_000643.3, NM_000644.3 and 2 more transcripts); c.2426delC, p.Thr809Lysfs (NM_000646.3); c.2273delC, p.Thr758Lysfs (NM_001425327.1); c.2270delC, p.Thr757Lysfs (NM_001425328.1, NM_001425329.1); c.2096delC, p.Thr699Lysfs (NM_001425332.1); c.2474del (NM_000642.2); short protein forms T809fs, T825fs.
Identifiers: ClinVar variation 1701913 (VCV001701913.4), dbSNP rs2100768875, ClinGen allele CA2580063432.
Genomic context (GRCh38, chr1:99,884,378, plus strand): 5'-TTTAATGTACTTTTTTTCAAGCTTAATGAAAGTAAAATTGTTAAACAAGCTGGAGTTGCC[AC>A]AAAAGGGCCCAATGAATATATTCAAGAAATAGAATTTGAAAACTTGTCTCCAGGAAGTGT-3'